The following is an entry in ClinVar:

ClinVar aggregate classification (germline): Pathogenic (1 of 4 stars; one submission).

Conditions:
X-linked lissencephaly with abnormal genitalia. Identifiers: Orphanet 452, MedGen C1846171, MONDO:0010268, OMIM 300215.

Submission:

Savagenome Genetic Health Clinic, Tarbiat Modares University
Classification: Pathogenic for X-linked lissencephaly with abnormal genitalia. Review status: criteria provided, single submitter. Criteria: ACMG Guidelines, 2015. Collection method: clinical testing. Allele origin: maternal. Inheritance: X-linked recessive inheritance. Affected: yes. Observed: 1 hemizygote.
Comment: The ARX variant, c.525C>G (p.Tyr175*) is classified as a pathogenic novel variant according to ACMG guidelines, 2015. Pathogenic variant in this gene is associated with X-linked lissencephaly-2 (LISX2). We find it in one Iranian family with X linked recessive inheritance. There is not any report of this variant in any of databases such as Iranome or ClinVar.

NM_139058.3(ARX):c.525C>G (p.Tyr175Ter)

Gene: ARX (aristaless related homeobox; minus strand). Cytogenetic location: Xp21.3.
Variant type: single nucleotide variant.
Coding change: c.525C>G on transcript NM_139058.3 (MANE Select); coding-DNA position 525, C replaced by G.
Protein change: p.Tyr175Ter; replaces tyrosine 175 with a stop codon.
Molecular consequence: nonsense.
Genome position (GRCh38, 1-based): chrX:25,013,470, G>C on the plus strand (C>G on the coding strand, the complement: ARX is on the minus strand). VCF-style: chrX-25013470-G-C. GRCh37 (hg19) VCF-style: chrX-25031587-G-C.
Other names: short protein forms Y175*.
Identifiers: ClinVar variation 689380 (VCV000689380.3), dbSNP rs1601948603, ClinGen allele CA412612987.